The following is an entry in ClinVar:

ClinVar aggregate classification (germline): Uncertain significance (1 of 4 stars; one submission).

Allele frequency attached by ClinVar (database versions not stated): gnomAD exomes below 0.00001.
gnomAD v4.1: 2 of 1,440,592 alleles (0.00014%); highest among the groups gnomAD compares: Non-Finnish European, 0.00018%; no homozygotes.

Submission:

Labcorp Genetics (formerly Invitae), Labcorp
Classification: Uncertain significance. Last evaluated: 2023-08-27. Review status: criteria provided, single submitter. Criteria: Invitae Variant Classification Sherloc (09022015). Collection method: clinical testing. Allele origin: germline.
Comment: An algorithm developed to predict the effect of missense changes on protein structure and function (PolyPhen-2) suggests that this variant is likely to be disruptive. In summary, the available evidence is currently insufficient to determine the role of this variant in disease. Therefore, it has been classified as a Variant of Uncertain Significance. This variant has not been reported in the literature in individuals affected with IFT88-related conditions. This variant is not present in population databases (gnomAD no frequency). This sequence change replaces aspartic acid, which is acidic and polar, with histidine, which is basic and polar, at codon 483 of the IFT88 protein (p.Asp483His).

NM_006531.5(IFT88):c.1420G>C (p.Asp474His)

Gene: IFT88 (intraflagellar transport 88; plus strand). Cytogenetic location: 13q12.11.
Variant type: single nucleotide variant.
Coding change: c.1420G>C on transcript NM_006531.5 (MANE Select); coding-DNA position 1420, G replaced by C.
Protein change: p.Asp474His; replaces aspartic acid 474 with histidine.
Molecular consequence: missense variant. On other transcripts: non-coding transcript variant (4).
Genome position (GRCh38, 1-based): chr13:20,638,365, G>C. VCF-style: chr13-20638365-G-C. GRCh37 (hg19) VCF-style: chr13-21212504-G-C.
Other names: c.1363G>C, p.Asp455His (NM_001318491.2, NM_001353575.2); c.1447G>C, p.Asp483His (NM_001318493.2, NM_001353565.2, NM_001353566.2 and 2 more transcripts); c.1345G>C, p.Asp449His (NM_001353577.2, NM_001353569.2, NM_001353570.2 and 1 more transcripts); c.1318G>C, p.Asp440His (NM_001353578.2, NM_001353571.2); c.787G>C, p.Asp263His (NM_001353579.2); c.1420G>C, p.Asp474His (NM_001353568.2, NM_001353572.2); c.1276G>C, p.Asp426His (NM_001353573.2); c.1261G>C, p.Asp421His (NM_001353574.2); short protein forms D263H, D426H, D455H, D421H, D440H, D449H, D474H, D483H.
Identifiers: ClinVar variation 3023005 (VCV003023005.3), dbSNP rs138582529, ClinGen allele CA246517497.
Genomic context (GRCh38, chr13:20,638,365, plus strand): 5'-AATAATTTGTATATGTATTTTACTTAGGGAAAGGATTTTGCACAAGCCAGCAGCTATGCA[G>C]ATATAGCTGTGAACTCTGATAGATATAATCCAGCAGCTCTTACTAATAAAGGGAATACAG-3'
Protein context (NP_006522.2, residues 464-484): KDFAQASSYA[Asp474His]IAVNSDRYNP